The following is an entry in ClinVar:

NM_001283009.2(RTEL1):c.2581C>T (p.Leu861Phe)

Genes: RTEL1 (regulator of telomere elongation helicase 1; plus strand), RTEL1-TNFRSF6B (RTEL1-TNFRSF6B readthrough (NMD candidate); plus strand). Cytogenetic location: 20q13.33.
Variant type: single nucleotide variant.
Coding change: c.2581C>T on transcript NM_001283009.2 (MANE Select); coding-DNA position 2581, C replaced by T.
Protein change: p.Leu861Phe; replaces leucine 861 with phenylalanine.
Molecular consequence: missense variant. On other transcripts: non-coding transcript variant (1).
Genome position (GRCh38, 1-based): chr20:63,691,766, C>T. VCF-style: chr20-63691766-C-T. GRCh37 (hg19) VCF-style: chr20-62323119-C-T.
Other names: c.1912C>T, p.Leu638Phe (NM_001283010.1); c.2581C>T, p.Leu861Phe (NM_016434.4); c.2653C>T, p.Leu885Phe (NM_032957.5); short protein forms L638F, L861F, L885F.
Identifiers: ClinVar variation 1794349 (VCV001794349.3), dbSNP rs1172325156, ClinGen allele CA409682285.

ClinVar aggregate classification (germline): Uncertain significance. Review status: criteria provided, multiple submitters, no conflicts (2 of 4 stars). 2 submissions from 2 submitters: Uncertain significance (2). Last evaluated 2024-03-26.

Conditions:
Dyskeratosis congenita, autosomal recessive 5 (DKCB5). Identifiers: MedGen C3554656, MONDO:0014076, OMIM 615190.
Pulmonary fibrosis and/or bone marrow failure, Telomere-related, 3. Also called: PULMONARY FIBROSIS AND/OR BONE MARROW FAILURE SYNDROME, TELOMERE-RELATED, 3. Identifiers: Orphanet 2032, MedGen C4225346, MONDO:0014613, OMIM 616373.
Inborn genetic diseases. Identifiers: MedGen C0950123, MeSH D030342.

Allele frequency attached by ClinVar (database versions not stated): gnomAD exomes below 0.00001.

Submissions (2):

Fulgent Genetics
Classification: Uncertain significance for Dyskeratosis congenita, autosomal recessive 5; Pulmonary fibrosis and/or bone marrow failure, Telomere-related, 3. Last evaluated: 2024-03-26. Review status: criteria provided, single submitter. Criteria: ACMG Guidelines, 2015. Collection method: clinical testing. Allele origin: germline.

Ambry Genetics
Classification: Uncertain significance for Inborn genetic diseases. Last evaluated: 2021-09-26. Review status: criteria provided, single submitter. Criteria: Ambry Variant Classification Scheme 2023. Collection method: clinical testing. Allele origin: germline.
Comment: The p.L885F variant (also known as c.2653C>T), located in coding exon 27 of the RTEL1 gene, results from a C to T substitution at nucleotide position 2653. The leucine at codon 885 is replaced by phenylalanine, an amino acid with highly similar properties. This amino acid position is conserved. In addition, this alteration is predicted to be tolerated by in silico analysis. Since supporting evidence is limited at this time, the clinical significance of this alteration remains unclear.